The following is an entry in ClinVar:

ClinVar aggregate classification (germline): Uncertain significance (1 of 4 stars; one submission).

Conditions:
Glycine encephalopathy. Also called: Non-ketotic hyperglycinemia; Nonketotic hyperglycinemia. Identifiers: Orphanet 407, MedGen C0751748, MONDO:0011612, HP:0008288.

Submission:

Labcorp Genetics (formerly Invitae), Labcorp
Classification: Uncertain significance for Glycine encephalopathy. Last evaluated: 2024-05-15. Review status: criteria provided, single submitter. Criteria: Invitae Variant Classification Sherloc (09022015). Collection method: clinical testing. Allele origin: germline.
Comment: This sequence change replaces aspartic acid, which is acidic and polar, with glycine, which is neutral and non-polar, at codon 36 of the GLDC protein (p.Asp36Gly). This variant is not present in population databases (gnomAD no frequency). This variant has not been reported in the literature in individuals affected with GLDC-related conditions. ClinVar contains an entry for this variant (Variation ID: 1963306). Advanced modeling of protein sequence and biophysical properties (such as structural, functional, and spatial information, amino acid conservation, physicochemical variation, residue mobility, and thermodynamic stability) has been performed at Invitae for this missense variant, however the output from this modeling did not meet the statistical confidence thresholds required to predict the impact of this variant on GLDC protein function. In summary, the available evidence is currently insufficient to determine the role of this variant in disease. Therefore, it has been classified as a Variant of Uncertain Significance.

NM_000170.3(GLDC):c.107A>G (p.Asp36Gly)

Gene: GLDC (glycine decarboxylase; minus strand). Cytogenetic location: 9p24.1.
Variant type: single nucleotide variant.
Coding change: c.107A>G on transcript NM_000170.3 (MANE Select); coding-DNA position 107, A replaced by G.
Protein change: p.Asp36Gly; replaces aspartic acid 36 with glycine.
Molecular consequence: missense variant.
Genome position (GRCh38, 1-based): chr9:6,645,393, T>C on the plus strand (A>G on the coding strand, the complement: GLDC is on the minus strand). VCF-style: chr9-6645393-T-C. GRCh37 (hg19) VCF-style: chr9-6645393-T-C.
Other names: short protein forms D36G.
Identifiers: ClinVar variation 1963306 (VCV001963306.4), dbSNP rs2489162782, ClinGen allele CA372887098.